The following is an entry in ClinVar:

NM_004787.4(SLIT2):c.1163G>A (p.Arg388Gln)

Gene: SLIT2 (slit guidance ligand 2; plus strand). Cytogenetic location: 4p15.31.
Variant type: single nucleotide variant.
Coding change: c.1163G>A on transcript NM_004787.4 (MANE Select); coding-DNA position 1163, G replaced by A.
Protein change: p.Arg388Gln; replaces arginine 388 with glutamine.
Molecular consequence: missense variant.
Genome position (GRCh38, 1-based): chr4:20,523,792, G>A. VCF-style: chr4-20523792-G-A. GRCh37 (hg19) VCF-style: chr4-20525415-G-A.
Other names: c.1175G>A, p.Arg392Gln (NM_001289135.3); c.1163G>A, p.Arg388Gln (NM_001289136.3); short protein forms R388Q, R392Q.
Identifiers: ClinVar variation 2218421 (VCV002218421.3), dbSNP rs145517585, ClinGen allele CA2871382.

ClinVar aggregate classification (germline): Uncertain significance. Review status: criteria provided, multiple submitters, no conflicts (2 of 4 stars). 2 submissions from 2 submitters: Uncertain significance (2). Last evaluated 2025-04-17.

Allele frequency attached by ClinVar (database versions not stated): ExAC 0.00005; gnomAD 0.00007; gnomAD exomes 0.00010; ESP Exome Variant Server 0.00015.
gnomAD v4.1: 148 of 1,613,788 alleles (0.0092%); highest among the groups gnomAD compares: Non-Finnish European, 0.012%; no homozygotes.

Submissions (2):

Labcorp Genetics (formerly Invitae), Labcorp
Classification: Uncertain significance. Last evaluated: 2025-04-17. Review status: criteria provided, single submitter. Criteria: Invitae Variant Classification Sherloc (09022015). Collection method: clinical testing. Allele origin: germline.
Comment: This sequence change replaces arginine, which is basic and polar, with glutamine, which is neutral and polar, at codon 388 of the SLIT2 protein (p.Arg388Gln). This variant is present in population databases (rs145517585, gnomAD 0.007%). This variant has not been reported in the literature in individuals affected with SLIT2-related conditions. ClinVar contains an entry for this variant (Variation ID: 2218421). An algorithm developed to predict the effect of missense changes on protein structure and function (PolyPhen-2) suggests that this variant is likely to be tolerated. In summary, the available evidence is currently insufficient to determine the role of this variant in disease. Therefore, it has been classified as a Variant of Uncertain Significance.

Ambry Genetics
Classification: Uncertain significance. Last evaluated: 2022-05-13. Review status: criteria provided, single submitter. Criteria: Ambry Variant Classification Scheme 2023. Collection method: clinical testing. Allele origin: germline.